The following is an entry in ClinVar:

NM_024006.6(VKORC1):c.283+837=

Gene: VKORC1 (vitamin K epoxide reductase complex subunit 1; minus strand). Cytogenetic location: 16p11.2.
Variant type: single nucleotide variant.
Coding change: c.283+837= on transcript NM_024006.6 (MANE Select); 837 bases into the intron after coding-DNA position 283, no change from the reference sequence.
Molecular consequence: intron variant.
Genome position: GRCh38 VCF-style: chr16-31092475-A-A. GRCh37 (hg19) VCF-style: chr16-31103796-A-A.
Other names: c.174-1133= (NM_206824.3); c.367+308= (NM_001311311.2).
Identifiers: ClinVar variation 515931 (VCV000515931.1), dbSNP rs2359612.
Genomic context (GRCh38, chr16:31,092,475, plus strand): 5'-CTGAGCAATAAAATTTCTTAAATAAATCGGCCAAGTCTGAACCATGTGTCAGCCAGGACC[A=]TGGTGCTGGGCCTCCCTCAGTGATGCCTTCTCTGGAGCTGGGAAGGGTGACTCAAAGGGA-3'

ClinVar aggregate classification (germline): Benign (1 of 4 stars; one submission).

Allele frequency attached by ClinVar (database versions not stated): gnomAD 0.34571 and 0.34921; TOPMed 0.35910; 1000 Genomes Project 30x 0.37976; 1000 Genomes Project 0.39038.

Submission:

GeneDx
Classification: Benign. Last evaluated: 2018-02-27. Review status: criteria provided, single submitter. Criteria: GeneDx Variant Classification (06012015). Collection method: clinical testing. Allele origin: germline. Affected: yes.
Comment: This variant is considered likely benign or benign based on one or more of the following criteria: it is a conservative change, it occurs at a poorly conserved position in the protein, it is predicted to be benign by multiple in silico algorithms, and/or has population frequency not consistent with disease.